The following is an entry in ClinVar:

ClinVar aggregate classification (germline): Uncertain significance (1 of 4 stars; one submission).

Conditions:
Peroxisome biogenesis disorder, complementation group K (CGK). Identifiers: MedGen C1866257, MONDO:0800365.

Submission:

Labcorp Genetics (formerly Invitae), Labcorp
Classification: Uncertain significance for Peroxisome biogenesis disorder, complementation group K. Last evaluated: 2023-07-26. Review status: criteria provided, single submitter. Criteria: Invitae Variant Classification Sherloc (09022015). Collection method: clinical testing. Allele origin: germline.
Comment: This sequence change replaces asparagine, which is neutral and polar, with serine, which is neutral and polar, at codon 210 of the PEX14 protein (p.Asn210Ser). This variant is not present in population databases (gnomAD no frequency). In summary, the available evidence is currently insufficient to determine the role of this variant in disease. Therefore, it has been classified as a Variant of Uncertain Significance. Advanced modeling of protein sequence and biophysical properties (such as structural, functional, and spatial information, amino acid conservation, physicochemical variation, residue mobility, and thermodynamic stability) performed at Invitae indicates that this missense variant is not expected to disrupt PEX14 protein function. ClinVar contains an entry for this variant (Variation ID: 2008307). This variant has not been reported in the literature in individuals affected with PEX14-related conditions.

NM_004565.3(PEX14):c.629A>G (p.Asn210Ser)

Gene: PEX14 (peroxisomal biogenesis factor 14; plus strand). Cytogenetic location: 1p36.22.
Variant type: single nucleotide variant.
Coding change: c.629A>G on transcript NM_004565.3 (MANE Select); coding-DNA position 629, A replaced by G.
Protein change: p.Asn210Ser; replaces asparagine 210 with serine.
Molecular consequence: missense variant.
Genome position (GRCh38, 1-based): chr1:10,627,315, A>G. VCF-style: chr1-10627315-A-G. GRCh37 (hg19) VCF-style: chr1-10687372-A-G.
Other names: short protein forms N210S.
Identifiers: ClinVar variation 2008307 (VCV002008307.4), dbSNP rs2521905691, ClinGen allele CA338336491.